The following is an entry in ClinVar:

NM_013275.6(ANKRD11):c.7652C>T (p.Pro2551Leu)

Gene: ANKRD11 (ankyrin repeat domain containing 11; minus strand). Cytogenetic location: 16q24.3.
Variant type: single nucleotide variant.
Coding change: c.7652C>T on transcript NM_013275.6 (MANE Select); coding-DNA position 7652, C replaced by T.
Protein change: p.Pro2551Leu; replaces proline 2551 with leucine.
Molecular consequence: missense variant.
Genome position (GRCh38, 1-based): chr16:89,274,875, G>A on the plus strand (C>T on the coding strand, the complement: ANKRD11 is on the minus strand). VCF-style: chr16-89274875-G-A. GRCh37 (hg19) VCF-style: chr16-89341283-G-A.
Other names: c.7652C>T, p.Pro2551Leu (NM_001256182.2, NM_001256183.2); short protein forms P2551L.
Identifiers: ClinVar variation 3360774 (VCV003360774.1).

ClinVar aggregate classification (germline): Uncertain significance (1 of 4 stars; one submission).

Submission:

GeneDx
Classification: Uncertain significance. Last evaluated: 2023-07-03. Review status: criteria provided, single submitter. Criteria: GeneDx Variant Classification Process June 2021. Collection method: clinical testing. Allele origin: germline. Affected: yes.
Comment: Not observed at significant frequency in large population cohorts (gnomAD); In silico analysis supports that this missense variant has a deleterious effect on protein structure/function; Has not been previously published as pathogenic or benign to our knowledge